The following is an entry in ClinVar:

ClinVar aggregate classification (germline): Uncertain significance (1 of 4 stars; one submission).

Conditions:
Lipodystrophy, partial, acquired, susceptibility to (APLD). Also called: APLD, SUSCEPTIBILITY TO. Identifiers: MedGen C3887501, MONDO:0100476, OMIM 608709.
Progressive myoclonic epilepsy type 9. Identifiers: Orphanet 457265, MedGen C4225289, MONDO:0014685, OMIM 616540.

Allele frequency attached by ClinVar (database versions not stated): gnomAD exomes below 0.00001.

Submission:

Labcorp Genetics (formerly Invitae), Labcorp
Classification: Uncertain significance for Progressive myoclonic epilepsy type 9; Lipodystrophy, partial, acquired, susceptibility to. Last evaluated: 2020-01-27. Review status: criteria provided, single submitter. Criteria: Invitae Variant Classification Sherloc (09022015). Collection method: clinical testing. Allele origin: germline.
Comment: This sequence change replaces glycine with serine at codon 140 of the LMNB2 protein (p.Gly140Ser). The glycine residue is highly conserved and there is a small physicochemical difference between glycine and serine. This variant is not present in population databases (ExAC no frequency). This variant has not been reported in the literature in individuals with LMNB2-related disease. Algorithms developed to predict the effect of missense changes on protein structure and function output the following: SIFT: "Tolerated"; PolyPhen-2: "Benign"; Align-GVGD: "Class C0". The serine amino acid residue is found in multiple mammalian species, suggesting that this missense change does not adversely affect protein function. These predictions have not been confirmed by published functional studies and their clinical significance is uncertain. In summary, the available evidence is currently insufficient to determine the role of this variant in disease. Therefore, it has been classified as a Variant of Uncertain Significance.

NM_032737.4(LMNB2):c.418G>A (p.Gly140Ser)

Gene: LMNB2 (lamin B2; minus strand). Cytogenetic location: 19p13.3.
Variant type: single nucleotide variant.
Coding change: c.418G>A on transcript NM_032737.4 (MANE Select); coding-DNA position 418, G replaced by A.
Protein change: p.Gly140Ser; replaces glycine 140 with serine.
Molecular consequence: missense variant.
Genome position (GRCh38, 1-based): chr19:2,438,515, C>T on the plus strand (G>A on the coding strand, the complement: LMNB2 is on the minus strand). VCF-style: chr19-2438515-C-T. GRCh37 (hg19) VCF-style: chr19-2438513-C-T.
Other names: short protein forms G140S.
Identifiers: ClinVar variation 566358 (VCV000566358.8), dbSNP rs1279810346, ClinGen allele CA403257908.
Genomic context (GRCh38, chr19:2,438,515, plus strand): 5'-CGCTCCGGTGGAACAGGGACTCCAGGTCCTTCACACGGCCCTGGGCCACCGTAAGCTCGC[C>T]CTCCCTCTTCTTGGCGCTGAAAGTCAAGAGGGCAAGTGAGTGGGGAGGGGCAAGGTCCAT-3'
Protein context (NP_116126.3, residues 130-150): EVNKSAKKRE[Gly140Ser]ELTVAQGRVK